The following is an entry in ClinVar:

NM_001042492.3(NF1):c.2606C>T (p.Pro869Leu)

Gene: NF1 (neurofibromin 1; plus strand). Cytogenetic location: 17q11.2.
Variant type: single nucleotide variant.
Coding change: c.2606C>T on transcript NM_001042492.3 (MANE Select); coding-DNA position 2606, C replaced by T.
Protein change: p.Pro869Leu; replaces proline 869 with leucine.
Molecular consequence: missense variant.
Genome position (GRCh38, 1-based): chr17:31,229,221, C>T. VCF-style: chr17-31229221-C-T. GRCh37 (hg19) VCF-style: chr17-29556239-C-T.
Other names: c.2606C>T, p.Pro869Leu (NM_000267.4); short protein forms P869L.
Identifiers: ClinVar variation 237539 (VCV000237539.6), dbSNP rs878853878, ClinGen allele CA10583487.
Genomic context (GRCh38, chr17:31,229,221, plus strand): 5'-GAGTGTGCCTCCAGCAGAGAAGCAATTCTGGCCTGGCAACCTATAGCCCACCCATGGGTC[C>T]AGTCAGTGAACGTAAGGGTTCTATGATTTCAGTGATGTCTTCAGAGGGAAACGCAGATAC-3'
Protein context (NP_001035957.1, residues 859-879): GLATYSPPMG[Pro869Leu]VSERKGSMIS

ClinVar aggregate classification (germline): Uncertain significance. Review status: criteria provided, multiple submitters, no conflicts (2 of 4 stars). 2 submissions from 2 submitters: Uncertain significance (2). Last evaluated 2026-04-12.

Conditions:
Neurofibromatosis, type 1 (NF1). Also called: Peripheral type neurofibromatosis; VON RECKLINGHAUSEN DISEASE; Neurofibromatosis, type I; NEUROFIBROMATOSIS, TYPE I, SOMATIC. Identifiers: Orphanet 636, MedGen C0027831, MONDO:0018975, OMIM 162200. Disease mechanism: loss of function.

Submissions (2):

GeneDx
Classification: Uncertain significance. Last evaluated: 2026-04-12. Review status: criteria provided, single submitter. Criteria: GeneDx Variant Classification Process June 2021. Collection method: clinical testing. Allele origin: germline.
Comment: Identified in a cohort of patients with a clinical diagnosis or symptoms of NF1 in published literature (PMID: 23656349) but additional evidence is not available; Not observed at significant frequency in large population cohorts (gnomAD); In silico analysis supports that this missense variant has a deleterious effect on protein structure/function; This variant is associated with the following publications: (PMID: 25486365, 2121369, 23656349)

Labcorp Genetics (formerly Invitae), Labcorp
Classification: Uncertain significance for Neurofibromatosis, type 1. Last evaluated: 2021-09-22. Review status: criteria provided, single submitter. Criteria: Invitae Variant Classification Sherloc (09022015). Collection method: clinical testing. Allele origin: germline.
Comment: This sequence change replaces proline with leucine at codon 869 of the NF1 protein (p.Pro869Leu). The proline residue is moderately conserved and there is a moderate physicochemical difference between proline and leucine. This variant is not present in population databases (ExAC no frequency). This variant has not been reported in the literature in individuals affected with NF1-related conditions. Algorithms developed to predict the effect of missense changes on protein structure and function are either unavailable or do not agree on the potential impact of this missense change (SIFT: "Deleterious"; PolyPhen-2: "Benign"; Align-GVGD: "Class C0"). In summary, the available evidence is currently insufficient to determine the role of this variant in disease. Therefore, it has been classified as a Variant of Uncertain Significance.